The following is an entry in ClinVar:

NM_001004334.4(GPR179):c.2965C>A (p.Leu989Ile)

Gene: GPR179 (G protein-coupled receptor 179; minus strand). Cytogenetic location: 17q12.
Variant type: single nucleotide variant.
Coding change: c.2965C>A on transcript NM_001004334.4 (MANE Select); coding-DNA position 2965, C replaced by A.
Protein change: p.Leu989Ile; replaces leucine 989 with isoleucine.
Molecular consequence: missense variant.
Genome position (GRCh38, 1-based): chr17:38,330,604, G>T on the plus strand (C>A on the coding strand, the complement: GPR179 is on the minus strand). VCF-style: chr17-38330604-G-T. GRCh37 (hg19) VCF-style: chr17-36486487-G-T.
Other names: short protein forms L989I.
Identifiers: ClinVar variation 1495122 (VCV001495122.6), dbSNP rs2037345432, ClinGen allele CA398881024.
Genomic context (GRCh38, chr17:38,330,604, plus strand): 5'-GGGGCACATTTTCTTGCTTGGCTGGCAGTTCTGCGTTCTCCCAGGGGCAGATGTAGGTGA[G>T]TAAGTTGGGGCTTTGTGGGGATACTGGGACTGGTGCCAGGGCAGGGGCTGGGGTTGGAGC-3'
Protein context (NP_001004334.3, residues 979-999): VPVSPQSPNL[Leu989Ile]TYICPWENAE

ClinVar aggregate classification (germline): Uncertain significance. Review status: criteria provided, multiple submitters, no conflicts (2 of 4 stars). 2 submissions from 2 submitters: Uncertain significance (2). Last evaluated 2024-06-07.

Allele frequency attached by ClinVar (database versions not stated): gnomAD 0.00001.

Submissions (2):

Blueprint Genetics
Classification: Uncertain significance. Last evaluated: 2024-06-07. Review status: criteria provided, single submitter. Criteria: ACMG Guidelines, 2015. Collection method: clinical testing. Allele origin: germline.

Labcorp Genetics (formerly Invitae), Labcorp
Classification: Uncertain significance. Last evaluated: 2022-02-24. Review status: criteria provided, single submitter. Criteria: Invitae Variant Classification Sherloc (09022015). Collection method: clinical testing. Allele origin: germline.
Comment: This sequence change replaces leucine, which is neutral and non-polar, with isoleucine, which is neutral and non-polar, at codon 989 of the GPR179 protein (p.Leu989Ile). This variant is not present in population databases (gnomAD no frequency). This variant has not been reported in the literature in individuals affected with GPR179-related conditions. Algorithms developed to predict the effect of missense changes on protein structure and function are either unavailable or do not agree on the potential impact of this missense change (SIFT: "Deleterious"; PolyPhen-2: "Possibly Damaging"; Align-GVGD: "Class C0"). In summary, the available evidence is currently insufficient to determine the role of this variant in disease. Therefore, it has been classified as a Variant of Uncertain Significance.